The following is an entry in ClinVar:

ClinVar aggregate classification (germline): Uncertain significance. Review status: criteria provided, multiple submitters, no conflicts (2 of 4 stars). 2 submissions from 2 submitters: Uncertain significance (2). Last evaluated 2024-10-05.

Conditions:
Inborn genetic diseases. Identifiers: MedGen C0950123, MeSH D030342.

Allele frequency attached by ClinVar (database versions not stated): TOPMed below 0.00001; gnomAD exomes 0.00001.
gnomAD v4.1: 18 of 1,614,048 alleles (0.0011%); highest among the groups gnomAD compares: Non-Finnish European, 0.0015%; no homozygotes.

Submissions (2):

Ambry Genetics
Classification: Uncertain significance for Inborn genetic diseases. Last evaluated: 2024-10-05. Review status: criteria provided, single submitter. Criteria: Ambry Variant Classification Scheme 2023. Collection method: clinical testing. Allele origin: germline.
Comment: The p.M722T variant (also known as c.2165T>C), located in coding exon 8 of the MECOM gene, results from a T to C substitution at nucleotide position 2165. The methionine at codon 722 is replaced by threonine, an amino acid with similar properties. This amino acid position is conserved. In addition, this alteration is predicted to be tolerated by in silico analysis. Based on the available evidence, the clinical significance of this variant remains unclear.

Labcorp Genetics (formerly Invitae), Labcorp
Classification: Uncertain significance. Last evaluated: 2022-09-07. Review status: criteria provided, single submitter. Criteria: Invitae Variant Classification Sherloc (09022015). Collection method: clinical testing. Allele origin: germline.
Comment: In summary, the available evidence is currently insufficient to determine the role of this variant in disease. Therefore, it has been classified as a Variant of Uncertain Significance. Algorithms developed to predict the effect of missense changes on protein structure and function are either unavailable or do not agree on the potential impact of this missense change (SIFT: "Deleterious"; PolyPhen-2: "Benign"; Align-GVGD: "Class C0"). This variant has not been reported in the literature in individuals affected with MECOM-related conditions. This variant is not present in population databases (gnomAD no frequency). This sequence change replaces methionine, which is neutral and non-polar, with threonine, which is neutral and polar, at codon 534 of the MECOM protein (p.Met534Thr).

NM_004991.4(MECOM):c.2165T>C (p.Met722Thr)

Gene: MECOM (MDS1 and EVI1 complex locus; minus strand). Cytogenetic location: 3q26.2.
Variant type: single nucleotide variant.
Coding change: c.2165T>C on transcript NM_004991.4 (MANE Select); coding-DNA position 2165, T replaced by C.
Protein change: p.Met722Thr; replaces methionine 722 with threonine.
Molecular consequence: missense variant.
Genome position (GRCh38, 1-based): chr3:169,115,707, A>G on the plus strand (T>C on the coding strand, the complement: MECOM is on the minus strand). VCF-style: chr3-169115707-A-G. GRCh37 (hg19) VCF-style: chr3-168833495-A-G.
Other names: c.1796T>C, p.Met599Thr (NM_001105077.4); c.1601T>C, p.Met534Thr (NM_001105078.4, NM_001164000.2, NM_001205194.2 and 4 more transcripts); c.1604T>C, p.Met535Thr (NM_001163999.2, NM_001366467.2, NM_001366468.2 and 1 more transcripts); c.2165T>C, p.Met722Thr (NM_001366466.2); c.1193T>C, p.Met398Thr (NM_001366473.2); c.629T>C, p.Met210Thr (NM_001366474.2); c.2165T>C (NM_004991.3); short protein forms M722T, M535T, M599T, M210T, M398T, M534T.
Identifiers: ClinVar variation 2079099 (VCV002079099.5), dbSNP rs1728951700, ClinGen allele CA355085761.